The following is an entry in ClinVar:

ClinVar aggregate classification (germline): Uncertain significance (1 of 4 stars; one submission).

Submission:

GeneDx
Classification: Uncertain significance. Last evaluated: 2025-08-05. Review status: criteria provided, single submitter. Criteria: GeneDx Variant Classification Process June 2021. Collection method: clinical testing. Allele origin: germline. Affected: yes.
Comment: Not observed at significant frequency in large population cohorts (gnomAD); In silico analysis supports that this missense variant has a deleterious effect on protein structure/function; Has not been previously published as pathogenic or benign to our knowledge

NM_001458.5(FLNC):c.1781T>C (p.Val594Ala)

Gene: FLNC (filamin C; plus strand). Cytogenetic location: 7q32.1.
Variant type: single nucleotide variant.
Coding change: c.1781T>C on transcript NM_001458.5 (MANE Select); coding-DNA position 1781, T replaced by C.
Protein change: p.Val594Ala; replaces valine 594 with alanine.
Molecular consequence: missense variant.
Genome position (GRCh38, 1-based): chr7:128,840,938, T>C. VCF-style: chr7-128840938-T-C. GRCh37 (hg19) VCF-style: chr7-128480992-T-C.
Other names: c.1781T>C, p.Val594Ala (NM_001127487.2); short protein forms V594A.
Identifiers: ClinVar variation 4756022 (VCV004756022.1).